The following is an entry in ClinVar:

NM_000235.4(LIPA):c.539-2A>G

Gene: LIPA (lipase A, lysosomal acid type; minus strand). Cytogenetic location: 10q23.31.
Variant type: single nucleotide variant.
Coding change: c.539-2A>G on transcript NM_000235.4 (MANE Select); the canonical splice acceptor site of the intron before coding-DNA position 539, A replaced by G.
Molecular consequence: splice acceptor variant.
Genome position (GRCh38, 1-based): chr10:89,225,230, T>C on the plus strand (A>G on the coding strand, the complement: LIPA is on the minus strand). VCF-style: chr10-89225230-T-C. GRCh37 (hg19) VCF-style: chr10-90984987-T-C.
Other names: c.191-2A>G (NM_001288979.2); c.539-2A>G (NM_001127605.3).
Identifiers: ClinVar variation 955545 (VCV000955545.10), dbSNP rs762143630, ClinGen allele CA211367794.

ClinVar aggregate classification (germline): Pathogenic. Review status: criteria provided, multiple submitters, no conflicts (2 of 4 stars). 2 submissions from 2 submitters: Pathogenic (2). Last evaluated 2025-05-09.

Conditions:
Wolman disease (WOLD). Also called: Wolman disease, CESD; LYSOSOMAL ACID LIPASE DEFICIENCY, ACUTE INFANTILE; LYSOSOMAL ACID LIPASE DEFICIENCY, COMPLETE; LIPA DEFICIENCY, COMPLETE; LAL DEFICIENCY, COMPLETE; CHOLESTEROL ESTER HYDROLASE DEFICIENCY, COMPLETE. Identifiers: Orphanet 75233, MedGen C0043208, MONDO:0019148, OMIM 620151.

Allele frequency attached by ClinVar (database versions not stated): gnomAD exomes below 0.00001.
gnomAD v4.1: 12 of 1,614,136 alleles (0.00074%); highest among the groups gnomAD compares: Non-Finnish European, 0.001%; no homozygotes.

Submissions (2):

Labcorp Genetics (formerly Invitae), Labcorp
Classification: Pathogenic for Wolman disease. Last evaluated: 2025-05-09. Review status: criteria provided, single submitter. Criteria: Invitae Variant Classification Sherloc (09022015). Collection method: clinical testing. Allele origin: germline.
Comment: This sequence change affects an acceptor splice site in intron 5 of the LIPA gene. It is expected to disrupt RNA splicing. Variants that disrupt the donor or acceptor splice site typically lead to a loss of protein function (PMID: 16199547), and loss-of-function variants in LIPA are known to be pathogenic (PMID: 23485521). The frequency data for this variant in the population databases is considered unreliable, as metrics indicate poor data quality at this position in the gnomAD database. Disruption of this splice site has been observed in individual(s) with lysosomal acid lipase (LAL) deficiency (PMID: 31412917). ClinVar contains an entry for this variant (Variation ID: 955545). Algorithms developed to predict the effect of sequence changes on RNA splicing suggest that this variant may disrupt the consensus splice site. For these reasons, this variant has been classified as Pathogenic.

Revvity Omics, Revvity
Classification: Pathogenic. Last evaluated: 2023-05-19. Review status: criteria provided, single submitter. Criteria: ACMG Guidelines, 2015. Collection method: clinical testing. Allele origin: germline.

Literature cited by the submitters: PubMed 16199547 (cited by Labcorp Genetics (formerly Invitae), Labcorp); PubMed 23485521 (cited by Labcorp Genetics (formerly Invitae), Labcorp); PubMed 31412917 (cited by Labcorp Genetics (formerly Invitae), Labcorp).